The following is an entry in ClinVar:

NM_000222.3(KIT):c.873T>C (p.Tyr291=)

Gene: KIT (KIT proto-oncogene, receptor tyrosine kinase; plus strand). Cytogenetic location: 4q12.
Variant type: single nucleotide variant.
Coding change: c.873T>C on transcript NM_000222.3 (MANE Select); coding-DNA position 873, T replaced by C.
Protein change: p.Tyr291=; no amino-acid change (tyrosine 291 retained).
Molecular consequence: synonymous variant.
Genome position (GRCh38, 1-based): chr4:54,703,840, T>C. VCF-style: chr4-54703840-T-C. GRCh37 (hg19) VCF-style: chr4-55570006-T-C.
Other names: c.873T>C, p.Tyr291= (NM_001093772.2, NM_001385285.1, NM_001385286.1); c.876T>C, p.Tyr292= (NM_001385284.1, NM_001385288.1, NM_001385290.1 and 1 more transcripts).
Identifiers: ClinVar variation 702865 (VCV000702865.17), dbSNP rs772988068, ClinGen allele CA2923331.

ClinVar aggregate classification (germline): Benign/Likely benign. Review status: criteria provided, multiple submitters, no conflicts (2 of 4 stars). 4 submissions from 4 submitters: Benign (1); Likely benign (3). Last evaluated 2026-06-03.

Conditions:
Hereditary cancer-predisposing syndrome. Also called: Neoplastic Syndromes, Hereditary; Hereditary neoplastic syndrome; Hereditary Cancer Syndrome; Tumor predisposition. Identifiers: Orphanet 140162, MedGen C0027672, MeSH D009386, MONDO:0015356.
Gastrointestinal stromal tumor. Also called: Gastrointestinal stromal tumor, somatic; Gastrointestinal stroma tumor. Identifiers: Orphanet 44890, MedGen C0238198, MeSH D046152, MONDO:0011719, OMIM 606764, HP:0100723.

Allele frequency attached by ClinVar (database versions not stated): gnomAD exomes 0.00001; TOPMed 0.00001; ExAC 0.00002; gnomAD 0.00002.
gnomAD v4.1: 12 of 1,613,888 alleles (0.00074%); highest among the groups gnomAD compares: African/African-American, 0.0027%; no homozygotes.

Submissions (4):

Myriad Genetics, Inc.
Classification: Benign for Gastrointestinal stromal tumor. Last evaluated: 2026-06-03. Review status: criteria provided, single submitter. Criteria: Myriad Autosomal Dominant, Autosomal Recessive and X-Linked Classification Criteria (2023). Collection method: clinical testing. Allele origin: unknown.
Comment: This variant is considered benign. This variant is a silent/synonymous amino acid change and it is not expected to impact splicing.

Labcorp Genetics (formerly Invitae), Labcorp
Classification: Likely benign for Gastrointestinal stromal tumor. Last evaluated: 2026-01-27. Review status: criteria provided, single submitter. Criteria: Invitae Variant Classification Sherloc (09022015). Collection method: clinical testing. Allele origin: germline.

Blueprint Genetics
Classification: Likely benign. Last evaluated: 2023-12-12. Review status: criteria provided, single submitter. Criteria: ACMG Guidelines, 2015. Collection method: clinical testing. Allele origin: germline.

Ambry Genetics
Classification: Likely benign for Hereditary cancer-predisposing syndrome. Last evaluated: 2019-06-28. Review status: criteria provided, single submitter. Criteria: Ambry Variant Classification Scheme 2023. Collection method: clinical testing. Allele origin: germline.